The following is an entry in ClinVar:

NM_198859.4(PRICKLE2):c.1975G>A (p.Gly659Ser)

Genes: PRICKLE2 (prickle planar cell polarity protein 2; minus strand), PRICKLE2-AS1 (PRICKLE2 antisense RNA 1; plus strand). Cytogenetic location: 3p14.1.
Variant type: single nucleotide variant.
Coding change: c.1975G>A on transcript NM_198859.4 (MANE Select); coding-DNA position 1975, G replaced by A.
Protein change: p.Gly659Ser; replaces glycine 659 with serine.
Molecular consequence: missense variant. On other transcripts: non-coding transcript variant (1).
Genome position (GRCh38, 1-based): chr3:64,099,611, C>T on the plus strand (G>A on the coding strand, the complement: PRICKLE2 is on the minus strand). VCF-style: chr3-64099611-C-T. GRCh37 (hg19) VCF-style: chr3-64085287-C-T.
Other names: c.1975G>A, p.Gly659Ser (NM_001370528.1); short protein forms G659S.
Identifiers: ClinVar variation 1520075 (VCV001520075.8), dbSNP rs141791087, ClinGen allele CA2479516.
Genomic context (GRCh38, chr3:64,099,611, plus strand): 5'-TGTCGTCGCGTGAAGTAGCTCTTCTCCGGGTGCGTTCACTCATGGGCTGGATCCTCACGC[C>T]CTCCTGCCCTGGCAGCTTGCTGCCCGCCATCCCTCCATCAAAATCAAAGCTCTGATGCAT-3'
Protein context (NP_942559.1, residues 649-669): MAGSKLPGQE[Gly659Ser]VRIQPMSERT

ClinVar aggregate classification (germline): Uncertain significance (1 of 4 stars; one submission).

Conditions:
Progressive myoclonic epilepsy type 5. Identifiers: Orphanet 402082, MedGen C5190799.

Allele frequency attached by ClinVar (database versions not stated): gnomAD 0.00002; TOPMed 0.00005; ESP Exome Variant Server 0.00008.
gnomAD v4.1: 5 of 1,613,842 alleles (0.00031%); highest among the groups gnomAD compares: African/African-American, 0.0067%; no homozygotes.

Submission:

Labcorp Genetics (formerly Invitae), Labcorp
Classification: Uncertain significance for Progressive myoclonic epilepsy type 5. Last evaluated: 2022-08-23. Review status: criteria provided, single submitter. Criteria: Invitae Variant Classification Sherloc (09022015). Collection method: clinical testing. Allele origin: germline.
Comment: In summary, the available evidence is currently insufficient to determine the role of this variant in disease. Therefore, it has been classified as a Variant of Uncertain Significance. Algorithms developed to predict the effect of missense changes on protein structure and function (SIFT, PolyPhen-2, Align-GVGD) all suggest that this variant is likely to be tolerated. ClinVar contains an entry for this variant (Variation ID: 1520075). This variant has not been reported in the literature in individuals affected with PRICKLE2-related conditions. This variant is present in population databases (rs141791087, gnomAD 0.007%). This sequence change replaces glycine, which is neutral and non-polar, with serine, which is neutral and polar, at codon 659 of the PRICKLE2 protein (p.Gly659Ser).